The following is an entry in ClinVar:

ClinVar aggregate classification (germline): Uncertain significance (1 of 4 stars; one submission).

Conditions:
Inborn genetic diseases. Identifiers: MedGen C0950123, MeSH D030342.

Submission:

Ambry Genetics
Classification: Uncertain significance for Inborn genetic diseases. Last evaluated: 2025-03-10. Review status: criteria provided, single submitter. Criteria: Ambry Variant Classification Scheme 2023. Collection method: clinical testing. Allele origin: germline.
Comment: The p.R99G variant (also known as c.295A>G), located in coding exon 3 of the CEP57 gene, results from an A to G substitution at nucleotide position 295. The arginine at codon 99 is replaced by glycine, an amino acid with dissimilar properties. This amino acid position is conserved. In addition, this alteration is predicted to be tolerated by in silico analysis. Based on the available evidence, the clinical significance of this variant remains unclear.

NM_014679.5(CEP57):c.295A>G (p.Arg99Gly)

Gene: CEP57 (centrosomal protein 57; plus strand). Cytogenetic location: 11q21.
Variant type: single nucleotide variant.
Coding change: c.295A>G on transcript NM_014679.5 (MANE Select); coding-DNA position 295, A replaced by G.
Protein change: p.Arg99Gly; replaces arginine 99 with glycine.
Molecular consequence: missense variant.
Genome position (GRCh38, 1-based): chr11:95,813,024, A>G. VCF-style: chr11-95813024-A-G. GRCh37 (hg19) VCF-style: chr11-95546188-A-G.
Other names: c.268A>G, p.Arg90Gly (NM_001243776.2); c.295A>G, p.Arg99Gly (NM_001243777.2); c.214A>G, p.Arg72Gly (NM_001363604.2); short protein forms R72G, R90G, R99G.
Identifiers: ClinVar variation 3832017 (VCV003832017.1).
Genomic context (GRCh38, chr11:95,813,024, plus strand): 5'-AAGATTCGACGCTTGGAACTTGAGAGGATTCAGGCAGAAGAAAGTGTGAAAACCTTGTCT[A>G]GAGAAACAATTGAATATAAGAAAGTACTGGATGAACAGATACAAGAAAGGGAGAATTCAA-3'
Protein context (NP_055494.2, residues 89-109): QAEESVKTLS[Arg99Gly]ETIEYKKVLD